The following is an entry in ClinVar:

ClinVar aggregate classification (germline): Likely pathogenic (1 of 4 stars; one submission).

Conditions:
Sphingolipid activator protein 1 deficiency. Also called: Metachromatic leukodystrophy due to saposin B deficiency; Saposin B Deficiency; METACHROMATIC LEUKODYSTROPHY DUE TO CEREBROSIDE SULFATASE ACTIVATOR DEFICIENCY. Identifiers: Orphanet 512, MedGen C0268262, MONDO:0009590, OMIM 249900.

Submission:

Labcorp Genetics (formerly Invitae), Labcorp
Classification: Likely pathogenic for Sphingolipid activator protein 1 deficiency. Last evaluated: 2023-09-15. Review status: criteria provided, single submitter. Criteria: Invitae Variant Classification Sherloc (09022015). Collection method: clinical testing. Allele origin: germline.
Comment: In summary, the currently available evidence indicates that the variant is pathogenic, but additional data are needed to prove that conclusively. Therefore, this variant has been classified as Likely Pathogenic. Algorithms developed to predict the effect of sequence changes on RNA splicing suggest that this variant may disrupt the consensus splice site. This variant has not been reported in the literature in individuals affected with PSAP-related conditions. This variant is not present in population databases (gnomAD no frequency). This sequence change affects a donor splice site in intron 7 of the PSAP gene. It is expected to disrupt RNA splicing. Variants that disrupt the donor or acceptor splice site typically lead to a loss of protein function (PMID: 16199547), and loss-of-function variants in PSAP are known to be pathogenic (PMID: 8554069, 11309366, 17616409, 19267410, 30632081).

Literature cited by the submitters: PubMed 16199547; PubMed 8554069; PubMed 11309366; PubMed 17616409; PubMed 19267410; PubMed 30632081.

NM_002778.4(PSAP):c.777+1G>T

Gene: PSAP (prosaposin; minus strand). Cytogenetic location: 10q22.1.
Variant type: single nucleotide variant.
Coding change: c.777+1G>T on transcript NM_002778.4 (MANE Select); the canonical splice donor site of the intron after coding-DNA position 777, G replaced by T.
Molecular consequence: splice donor variant.
Genome position (GRCh38, 1-based): chr10:71,825,836, C>A on the plus strand (G>T on the coding strand, the complement: PSAP is on the minus strand). VCF-style: chr10-71825836-C-A. GRCh37 (hg19) VCF-style: chr10-73585593-C-A.
Other names: c.777+1G>T (NM_001042466.3, NM_001042465.3).
Identifiers: ClinVar variation 2760996 (VCV002760996.3), dbSNP rs112041816, ClinGen allele CA377149087.